The following is an entry in ClinVar:

ClinVar aggregate classification (germline): Uncertain significance (1 of 4 stars; one submission).

Conditions:
Amyotrophic lateral sclerosis type 4 (ALS4). Also called: NEURONOPATHY, DISTAL HEREDITARY MOTOR, WITH PYRAMIDAL FEATURES; AMYOTROPHIC LATERAL SCLEROSIS 4, JUVENILE. Identifiers: Orphanet 357043, MedGen C1865409, MONDO:0011223, OMIM 602433.
Spinocerebellar ataxia, autosomal recessive, with axonal neuropathy 2 (SCAN2). Also called: Ataxia with Oculomotor Apraxia Type 2; ATAXIA-OCULOMOTOR APRAXIA 2; Ataxia with Oculomotor Apraxia; Ataxia-ocular apraxia-2. Identifiers: Orphanet 64753, MedGen C1853761, MONDO:0018996, OMIM 606002.

Allele frequency attached by ClinVar (database versions not stated): TOPMed 0.00001.

Submission:

Labcorp Genetics (formerly Invitae), Labcorp
Classification: Uncertain significance for Amyotrophic lateral sclerosis type 4; Spinocerebellar ataxia, autosomal recessive, with axonal neuropathy 2. Last evaluated: 2022-08-09. Review status: criteria provided, single submitter. Criteria: Invitae Variant Classification Sherloc (09022015). Collection method: clinical testing. Allele origin: germline.
Comment: In summary, the available evidence is currently insufficient to determine the role of this variant in disease. Therefore, it has been classified as a Variant of Uncertain Significance. Advanced modeling of protein sequence and biophysical properties (such as structural, functional, and spatial information, amino acid conservation, physicochemical variation, residue mobility, and thermodynamic stability) performed at Invitae indicates that this missense variant is not expected to disrupt SETX protein function. This variant has not been reported in the literature in individuals affected with SETX-related conditions. This variant is not present in population databases (gnomAD no frequency). This sequence change replaces valine, which is neutral and non-polar, with phenylalanine, which is neutral and non-polar, at codon 1649 of the SETX protein (p.Val1649Phe).

NM_015046.7(SETX):c.4945G>T (p.Val1649Phe)

Gene: SETX (senataxin; minus strand). Cytogenetic location: 9q34.13.
Variant type: single nucleotide variant.
Coding change: c.4945G>T on transcript NM_015046.7 (MANE Select); coding-DNA position 4945, G replaced by T.
Protein change: p.Val1649Phe; replaces valine 1649 with phenylalanine.
Molecular consequence: missense variant.
Genome position (GRCh38, 1-based): chr9:132,326,653, C>A on the plus strand (G>T on the coding strand, the complement: SETX is on the minus strand). VCF-style: chr9-132326653-C-A. GRCh37 (hg19) VCF-style: chr9-135202040-C-A.
Other names: c.4945G>T, p.Val1649Phe (NM_001351527.2, NM_001351528.2); short protein forms V1649F.
Identifiers: ClinVar variation 2161963 (VCV002161963.4), dbSNP rs1846793646, ClinGen allele CA375323130.